The following is an entry in ClinVar:

ClinVar aggregate classification (germline): Benign/Likely benign. Review status: criteria provided, multiple submitters, no conflicts (2 of 4 stars). 2 submissions from 2 submitters: Benign (1); Likely benign (1). Last evaluated 2026-06-01.

Allele frequency attached by ClinVar (database versions not stated): gnomAD exomes 0.00033 and 0.00077; ExAC 0.00094; 1000 Genomes Project 30x 0.00203; 1000 Genomes Project 0.00220; gnomAD 0.00307 and 0.00329; TOPMed 0.00355; ESP Exome Variant Server 0.00446.
gnomAD v4.1: 973 of 1,613,016 alleles (0.06%); highest among the groups gnomAD compares: African/African-American, 1.2%; 2 homozygotes.

Submissions (2):

CeGaT Center for Human Genetics Tuebingen
Classification: Likely benign. Last evaluated: 2026-06-01. Review status: criteria provided, single submitter. Criteria: CeGaT Center For Human Genetics Tuebingen Variant Classification Criteria Version 2. Collection method: clinical testing. Allele origin: germline. Affected: yes. Observed: 1 variant allele.
Comment: KCNA3: BP4, BP7, BS1

Labcorp Genetics (formerly Invitae), Labcorp
Classification: Benign. Last evaluated: 2018-03-05. Review status: criteria provided, single submitter. Criteria: Invitae Variant Classification Sherloc (09022015). Collection method: clinical testing. Allele origin: germline.

NM_002232.5(KCNA3):c.666G>T (p.Leu222=)

Gene: KCNA3 (potassium voltage-gated channel subfamily A member 3; minus strand). Cytogenetic location: 1p13.3.
Variant type: single nucleotide variant.
Coding change: c.666G>T on transcript NM_002232.5 (MANE Select); coding-DNA position 666, G replaced by T.
Protein change: p.Leu222=; no amino-acid change (leucine 222 retained).
Molecular consequence: synonymous variant.
Genome position (GRCh38, 1-based): chr1:110,674,144, C>A on the plus strand (G>T on the coding strand, the complement: KCNA3 is on the minus strand). VCF-style: chr1-110674144-C-A. GRCh37 (hg19) VCF-style: chr1-111216766-C-A.
Identifiers: ClinVar variation 733876 (VCV000733876.5), dbSNP rs150782822, ClinGen allele CA1000909.